The following is an entry in ClinVar:

NM_000132.4(F8):c.2103G>A (p.Met701Ile)

Gene: F8 (coagulation factor VIII; minus strand). Cytogenetic location: Xq28.
Variant type: single nucleotide variant.
Coding change: c.2103G>A on transcript NM_000132.4 (MANE Select); coding-DNA position 2103, G replaced by A.
Protein change: p.Met701Ile; replaces methionine 701 with isoleucine.
Molecular consequence: missense variant.
Genome position (GRCh38, 1-based): chrX:154,947,708, C>T on the plus strand (G>A on the coding strand, the complement: F8 is on the minus strand). VCF-style: chrX-154947708-C-T. GRCh37 (hg19) VCF-style: chrX-154175983-C-T.
Other names: short protein forms M701I.
Identifiers: ClinVar variation 2629796 (VCV002629796.2), dbSNP rs2073313787, ClinGen allele CA414908928.

ClinVar aggregate classification (germline): Conflicting classifications of pathogenicity. Review status: criteria provided, conflicting classifications (1 of 4 stars). 2 submissions from 2 submitters: Likely pathogenic (1); Uncertain significance (1). Last evaluated 2024-06-14.

Conditions:
F8-related disorder. Also called: F8-related condition.

Allele frequency attached by ClinVar (database versions not stated): TOPMed 0.00001.

Submissions (2):

GeneDx
Classification: Uncertain significance. Last evaluated: 2024-06-14. Review status: criteria provided, single submitter. Criteria: GeneDx Variant Classification Process June 2021. Collection method: clinical testing. Allele origin: germline. Affected: yes.
Comment: Identified in patient with mild hemophilia A in the published literature (PMID: 11858487); In silico analysis indicates that this missense variant does not alter protein structure/function; Not observed at significant frequency in large population cohorts (gnomAD); Also known as p.(M682I); This variant is associated with the following publications: (PMID: 19473423, 11858487)

PreventionGenetics, part of Exact Sciences
Classification: Likely pathogenic for F8-related condition. Last evaluated: 2022-12-30. Review status: criteria provided, single submitter. Criteria: ACMG Guidelines, 2015. Collection method: clinical testing. Allele origin: germline.
Comment: The F8 c.2103G>A variant is predicted to result in the amino acid substitution p.Met701Ile. This variant, previously described as p.Met682Ile using legacy nomenclature, was reported in an individual with hemophilia A that also had a positive family history (Liu et al 2002. PubMed ID: 11858487). A different missense change at the same amino acid position, p.Met701Thr but reported as p.Met682Thr) has also been reported in an individual with hemophilia A (Santacroce et al 2008. PubMed ID: 18217193). This variant has not been reported in a large population database, indicating this variant is rare. This variant is interpreted as likely pathogenic.